The following is an entry in ClinVar:

ClinVar aggregate classification (germline): Benign/Likely benign. Review status: criteria provided, multiple submitters, no conflicts (2 of 4 stars). 7 submissions from 7 submitters: Benign (6); Likely benign (1). Last evaluated 2026-02-03.

Conditions:
Amelocerebrohypohidrotic syndrome (KTZS). Also called: EPILEPSY AND YELLOW TEETH; EPILEPSY, DEMENTIA, AND AMELOGENESIS IMPERFECTA; Kohlschutter's syndrome; KOHLSCHUTTER SYNDROME. Identifiers: Orphanet 1946, MedGen C0406740, MONDO:0009185, OMIM 226750.

Allele frequency attached by ClinVar (database versions not stated): gnomAD 0.00647 and 0.00595; TOPMed 0.00665; ESP Exome Variant Server 0.00670; gnomAD exomes 0.00057 and 0.00142; ExAC 0.00188; 1000 Genomes Project 30x 0.00390; 1000 Genomes Project 0.00419.
gnomAD v4.1: 1,780 of 1,611,988 alleles (0.11%); highest among the groups gnomAD compares: African/African-American, 2.1%; 26 homozygotes.

Submissions (7):

Labcorp Genetics (formerly Invitae), Labcorp
Classification: Benign for Amelocerebrohypohidrotic syndrome. Last evaluated: 2026-02-03. Review status: criteria provided, single submitter. Criteria: Invitae Variant Classification Sherloc (09022015). Collection method: clinical testing. Allele origin: germline.

Blueprint Genetics
Classification: Likely benign. Last evaluated: 2024-10-18. Review status: criteria provided, single submitter. Criteria: ACMG Guidelines, 2015. Collection method: clinical testing. Allele origin: germline.

Mayo Clinic Laboratories, Mayo Clinic
Classification: Benign. Last evaluated: 2019-03-19. Review status: criteria provided, single submitter. Criteria: ACMG Guidelines, 2015. Collection method: clinical testing. Allele origin: germline. Observed: 2 variant alleles.

Athena Diagnostics
Classification: Benign. Last evaluated: 2018-05-01. Review status: criteria provided, single submitter. Criteria: Athena Diagnostics Criteria. Collection method: clinical testing. Allele origin: germline.

Illumina Laboratory Services, Illumina
Classification: Benign for Kohlschutter syndrome. Last evaluated: 2018-01-13. Review status: criteria provided, single submitter. Criteria: ICSL Variant Classification Criteria 13 December 2019. Collection method: clinical testing. Allele origin: germline.
Comment: This variant was observed in the ICSL laboratory as part of a predisposition screen in an ostensibly healthy population. It had not been previously curated by ICSL or reported in the Human Gene Mutation Database (HGMD: prior to June 1st, 2018), and was therefore a candidate for classification through an automated scoring system. Utilizing variant allele frequency, disease prevalence and penetrance estimates, and inheritance mode, an automated score was calculated to assess if this variant is too frequent to cause the disease. Based on the score and internal cut-off values, a variant classified as benign is not then subjected to further curation. The score for this variant resulted in a classification of benign for this disease.

Breakthrough Genomics
Classification: Benign. Review status: criteria provided, single submitter. Criteria: ACMG Guidelines, 2015. Collection method: not provided. Allele origin: germline. Inheritance: Autosomal recessive inheritance. Affected: yes.

PreventionGenetics, part of Exact Sciences
Classification: Benign. Review status: criteria provided, single submitter. Criteria: ACMG Guidelines, 2015. Collection method: clinical testing. Allele origin: germline.

NM_024589.3(ROGDI):c.646-5C>T

Gene: ROGDI (rogdi atypical leucine zipper; minus strand). Cytogenetic location: 16p13.3.
Variant type: single nucleotide variant.
Coding change: c.646-5C>T on transcript NM_024589.3 (MANE Select); 5 bases into the intron before coding-DNA position 646, C replaced by T.
Molecular consequence: intron variant.
Genome position (GRCh38, 1-based): chr16:4,797,992, G>A on the plus strand (C>T on the coding strand, the complement: ROGDI is on the minus strand). VCF-style: chr16-4797992-G-A. GRCh37 (hg19) VCF-style: chr16-4847993-G-A.
Other names: p.?.
Identifiers: ClinVar variation 261744 (VCV000261744.20), dbSNP rs115660765, ClinGen allele CA7882572.